The following is an entry in ClinVar:

ClinVar aggregate classification (germline): Uncertain significance (1 of 4 stars; one submission).

Conditions:
Kleefstra syndrome 1 (KLEFS1). Identifiers: Orphanet 261494, MedGen C0795833, MONDO:0027407, OMIM 610253.

Submission:

Labcorp Genetics (formerly Invitae), Labcorp
Classification: Uncertain significance for Kleefstra syndrome 1. Last evaluated: 2023-01-01. Review status: criteria provided, single submitter. Criteria: Invitae Variant Classification Sherloc (09022015). Collection method: clinical testing. Allele origin: germline.
Comment: This sequence change replaces glycine, which is neutral and non-polar, with serine, which is neutral and polar, at codon 333 of the EHMT1 protein (p.Gly333Ser). This variant is not present in population databases (gnomAD no frequency). This variant has not been reported in the literature in individuals affected with EHMT1-related conditions. Algorithms developed to predict the effect of missense changes on protein structure and function output the following: SIFT: "Tolerated"; PolyPhen-2: "Benign"; Align-GVGD: "Class C0". The serine amino acid residue is found in multiple mammalian species, which suggests that this missense change does not adversely affect protein function. In summary, the available evidence is currently insufficient to determine the role of this variant in disease. Therefore, it has been classified as a Variant of Uncertain Significance.

NM_024757.5(EHMT1):c.997G>A (p.Gly333Ser)

Gene: EHMT1 (euchromatic histone lysine methyltransferase 1; plus strand). Cytogenetic location: 9q34.3.
Variant type: single nucleotide variant.
Coding change: c.997G>A on transcript NM_024757.5 (MANE Select); coding-DNA position 997, G replaced by A.
Protein change: p.Gly333Ser; replaces glycine 333 with serine.
Molecular consequence: missense variant.
Genome position (GRCh38, 1-based): chr9:137,743,917, G>A. VCF-style: chr9-137743917-G-A. GRCh37 (hg19) VCF-style: chr9-140638369-G-A.
Other names: c.997G>A, p.Gly333Ser (NM_001145527.2, NM_001354611.2); c.904G>A, p.Gly302Ser (NM_001354259.2, NM_001354612.2); c.976G>A, p.Gly326Ser (NM_001354263.2); short protein forms G302S, G326S, G333S.
Identifiers: ClinVar variation 2825776 (VCV002825776.3), dbSNP rs2541616197, ClinGen allele CA375778755.